The following is an entry in ClinVar:

NM_014633.5(CTR9):c.3095+3A>G

Gene: CTR9 (CTR9 component of Paf1/RNA polymerase II complex; plus strand). Cytogenetic location: 11p15.4.
Variant type: single nucleotide variant.
Coding change: c.3095+3A>G on transcript NM_014633.5 (MANE Select); 3 bases into the intron after coding-DNA position 3095, A replaced by G.
Molecular consequence: intron variant.
Genome position (GRCh38, 1-based): chr11:10,775,636, A>G. VCF-style: chr11-10775636-A-G. GRCh37 (hg19) VCF-style: chr11-10797183-A-G.
Other names: c.3023+3A>G (NM_001346279.2).
Identifiers: ClinVar variation 2172444 (VCV002172444.4), dbSNP rs772524351, ClinGen allele CA5885494.

ClinVar aggregate classification (germline): Uncertain significance (1 of 4 stars; one submission).

Allele frequency attached by ClinVar (database versions not stated): gnomAD 0.00001; TOPMed 0.00002; gnomAD exomes 0.00003; ExAC 0.00006.
gnomAD v4.1: 49 of 1,582,994 alleles (0.0031%); highest among the groups gnomAD compares: Middle Eastern, 0.017%; no homozygotes.

Submission:

Labcorp Genetics (formerly Invitae), Labcorp
Classification: Uncertain significance. Last evaluated: 2022-08-03. Review status: criteria provided, single submitter. Criteria: Invitae Variant Classification Sherloc (09022015). Collection method: clinical testing. Allele origin: germline.
Comment: This sequence change falls in intron 24 of the CTR9 gene. It does not directly change the encoded amino acid sequence of the CTR9 protein. It affects a nucleotide within the consensus splice site. In summary, the available evidence is currently insufficient to determine the role of this variant in disease. Therefore, it has been classified as a Variant of Uncertain Significance. Variants that disrupt the consensus splice site are a relatively common cause of aberrant splicing (PMID: 17576681, 9536098). Algorithms developed to predict the effect of sequence changes on RNA splicing suggest that this variant is not likely to affect RNA splicing. This variant has not been reported in the literature in individuals affected with CTR9-related conditions. This variant is present in population databases (rs772524351, gnomAD 0.007%).

Literature cited by the submitters: PubMed 17576681; PubMed 9536098.